The following is an entry in ClinVar:

NM_001099403.2(PRDM8):c.1343G>C (p.Arg448Pro)

Gene: PRDM8 (PR/SET domain 8; plus strand). Cytogenetic location: 4q21.21.
Variant type: single nucleotide variant.
Coding change: c.1343G>C on transcript NM_001099403.2 (MANE Select); coding-DNA position 1343, G replaced by C.
Protein change: p.Arg448Pro; replaces arginine 448 with proline.
Molecular consequence: missense variant.
Genome position (GRCh38, 1-based): chr4:80,202,805, G>C. VCF-style: chr4-80202805-G-C. GRCh37 (hg19) VCF-style: chr4-81123959-G-C.
Other names: c.1343G>C, p.Arg448Pro (NM_020226.4); short protein forms R448P.
Identifiers: ClinVar variation 2096805 (VCV002096805.4), dbSNP rs983217484, ClinGen allele CA357400285.

ClinVar aggregate classification (germline): Uncertain significance (1 of 4 stars; one submission).

Conditions:
Early-onset Lafora body disease. Also called: Epilepsy, progressive myoclonic, 10. Identifiers: Orphanet 324290, MedGen C4225258, MONDO:0014717, OMIM 616640.

Submission:

Labcorp Genetics (formerly Invitae), Labcorp
Classification: Uncertain significance for Early-onset Lafora body disease. Last evaluated: 2022-02-23. Review status: criteria provided, single submitter. Criteria: Invitae Variant Classification Sherloc (09022015). Collection method: clinical testing. Allele origin: germline.
Comment: This sequence change replaces arginine, which is basic and polar, with proline, which is neutral and non-polar, at codon 448 of the PRDM8 protein (p.Arg448Pro). In summary, the available evidence is currently insufficient to determine the role of this variant in disease. Therefore, it has been classified as a Variant of Uncertain Significance. Algorithms developed to predict the effect of missense changes on protein structure and function are either unavailable or do not agree on the potential impact of this missense change (SIFT: "Deleterious"; PolyPhen-2: "Possibly Damaging"; Align-GVGD: "Class C0"). This variant has not been reported in the literature in individuals affected with PRDM8-related conditions. This variant is not present in population databases (gnomAD no frequency).